The following is an entry in ClinVar:

ClinVar aggregate classification (germline): Uncertain significance (1 of 4 stars; one submission).

Submission:

CeGaT Center for Human Genetics Tuebingen
Classification: Uncertain significance. Last evaluated: 2024-12-01. Review status: criteria provided, single submitter. Criteria: CeGaT Center For Human Genetics Tuebingen Variant Classification Criteria Version 2. Collection method: clinical testing. Allele origin: germline. Affected: yes. Observed: 1 variant allele.
Comment: SPAST: PM2, PP3

NM_014946.4(SPAST):c.263C>T (p.Ala88Val)

Gene: SPAST (spastin; plus strand). Cytogenetic location: 2p22.3.
Variant type: single nucleotide variant.
Coding change: c.263C>T on transcript NM_014946.4 (MANE Select); coding-DNA position 263, C replaced by T.
Protein change: p.Ala88Val; replaces alanine 88 with valine.
Molecular consequence: missense variant.
Genome position (GRCh38, 1-based): chr2:32,064,094, C>T. VCF-style: chr2-32064094-C-T. GRCh37 (hg19) VCF-style: chr2-32289163-C-T.
Other names: c.263C>T, p.Ala88Val (NM_001363823.2, NM_001363875.2, NM_001377959.1 and 1 more transcripts); short protein forms A88V.
Identifiers: ClinVar variation 3389211 (VCV003389211.14).
Genomic context (GRCh38, chr2:32,064,094, plus strand): 5'-CCTTCCACCTGGGGCTCCTCTTCGTGTGGCTCTGCCAGCGCTTCTCCCGCGCCCTCATGG[C>T]AGCCAAGAGGAGCTCCGGGGCCGCGCCAGCACCTGCCTCGGCCTCGGCCCCGGCGCCGGT-3'
Protein context (NP_055761.2, residues 78-98): LCQRFSRALM[Ala88Val]AKRSSGAAPA